The following is an entry in ClinVar:

NM_000543.5(SMPD1):c.1546C>T (p.His516Tyr)

Gene: SMPD1 (sphingomyelin phosphodiesterase 1; plus strand). Cytogenetic location: 11p15.4.
Variant type: single nucleotide variant.
Coding change: c.1546C>T on transcript NM_000543.5 (MANE Select); coding-DNA position 1546, C replaced by T.
Protein change: p.His516Tyr; replaces histidine 516 with tyrosine.
Molecular consequence: missense variant. On other transcripts: 3 prime UTR variant (1), non-coding transcript variant (2).
Genome position (GRCh38, 1-based): chr11:6,394,257, C>T. VCF-style: chr11-6394257-C-T. GRCh37 (hg19) VCF-style: chr11-6415487-C-T.
Other names: c.1543C>T, p.His515Tyr (NM_001007593.3); c.*39C>T (NM_001318087.2); c.625C>T, p.His209Tyr (NM_001318088.2); c.1414C>T, p.His472Tyr (NM_001365135.2); short protein forms H516Y, H209Y, H472Y, H515Y.
Identifiers: ClinVar variation 2183560 (VCV002183560.6), dbSNP rs947385324, ClinGen allele CA217302677.

ClinVar aggregate classification (germline): Conflicting classifications of pathogenicity. Review status: criteria provided, conflicting classifications (1 of 4 stars). 2 submissions from 2 submitters: Likely pathogenic (1); Uncertain significance (1). Last evaluated 2025-07-31.

Conditions:
Niemann-Pick disease, type A. Also called: SPHINGOMYELIN LIPIDOSIS; SPHINGOMYELINASE DEFICIENCY; Infantile Neurovisceral ASMD (Niemann-Pick Disease Type A; NPD-A). Identifiers: Orphanet 77292, MedGen C0268242, MONDO:0009756, OMIM 257200. Disease mechanism: loss of function.
Niemann-Pick disease, type B. Also called: Chronic Visceral ASMD (Niemann-Pick Disease Type B; NPD-B). Identifiers: Orphanet 77293, MedGen C0268243, MONDO:0011871, OMIM 607616. Disease mechanism: loss of function.

Allele frequency attached by ClinVar (database versions not stated): gnomAD exomes below 0.00001; TOPMed below 0.00001.

Submissions (2):

Women's Health and Genetics/Laboratory Corporation of America, LabCorp
Classification: Uncertain significance. Last evaluated: 2025-07-31. Review status: criteria provided, single submitter. Criteria: LabCorp Variant Classification Summary - May 2015. Collection method: clinical testing. Allele origin: germline.
Comment: Variant summary: SMPD1 c.1546C>T (p.His516Tyr) results in a conservative amino acid change located in the Sphingomyelin phosphodiesterase, C-terminal domain (IPR045473) of the encoded protein sequence. Algorithms developed to predict the effect of missense changes on protein structure and function are either unavailable or do not agree on the potential impact of this missense change. The variant was absent in 251350 control chromosomes. The available data on variant occurrences in the general population are insufficient to allow any conclusion about variant significance. To our knowledge, no occurrence of c.1546C>T in individuals affected with Niemann-Pick Disease and no experimental evidence demonstrating its impact on protein function have been reported. ClinVar contains an entry for this variant (Variation ID: 2183560). Based on the evidence outlined above, the variant was classified as uncertain significance.

Labcorp Genetics (formerly Invitae), Labcorp
Classification: Likely pathogenic for Niemann-Pick disease, type B; Niemann-Pick disease, type A. Last evaluated: 2022-10-13. Review status: criteria provided, single submitter. Criteria: Invitae Variant Classification Sherloc (09022015). Collection method: clinical testing. Allele origin: germline.
Comment: In summary, the currently available evidence indicates that the variant is pathogenic, but additional data are needed to prove that conclusively. Therefore, this variant has been classified as Likely Pathogenic. This variant disrupts the p.His516 amino acid residue in SMPD1. Other variant(s) that disrupt this residue have been determined to be pathogenic (PMID: 31122880, 33675270; Invitae). This suggests that this residue is clinically significant, and that variants that disrupt this residue are likely to be disease-causing. Advanced modeling of protein sequence and biophysical properties (such as structural, functional, and spatial information, amino acid conservation, physicochemical variation, residue mobility, and thermodynamic stability) performed at Invitae indicates that this missense variant is expected to disrupt SMPD1 protein function. This variant has not been reported in the literature in individuals affected with SMPD1-related conditions. This variant is not present in population databases (gnomAD no frequency). This sequence change replaces histidine, which is basic and polar, with tyrosine, which is neutral and polar, at codon 516 of the SMPD1 protein (p.His516Tyr).

Literature cited by the submitters: PubMed 31122880 (cited by Labcorp Genetics (formerly Invitae), Labcorp); PubMed 33675270 (cited by Labcorp Genetics (formerly Invitae), Labcorp).